The following is an entry in ClinVar:

NM_015102.5(NPHP4):c.2143+3G>T

Gene: NPHP4 (nephrocystin 4; minus strand). Cytogenetic location: 1p36.31.
Variant type: single nucleotide variant.
Coding change: c.2143+3G>T on transcript NM_015102.5 (MANE Select); 3 bases into the intron after coding-DNA position 2143, G replaced by T.
Molecular consequence: intron variant.
Genome position (GRCh38, 1-based): chr1:5,904,614, C>A on the plus strand (G>T on the coding strand, the complement: NPHP4 is on the minus strand). VCF-style: chr1-5904614-C-A. GRCh37 (hg19) VCF-style: chr1-5964674-C-A.
Other names: c.2143+3G>T (NM_015102.4); c.607+3G>T (NM_001291594.2); c.604+3G>T (NM_001291593.2).
Identifiers: ClinVar variation 1035463 (VCV001035463.9), dbSNP rs762882392, ClinGen allele CA554263.

ClinVar aggregate classification (germline): Conflicting classifications of pathogenicity. Review status: criteria provided, conflicting classifications (1 of 4 stars). 3 submissions from 3 submitters: Uncertain significance (2); Likely benign (1). Last evaluated 2025-01-13.

Conditions:
Nephronophthisis. Also called: Juvenile Nephronophthisis. Identifiers: Orphanet 655, MedGen C0687120, MONDO:0019005, HP:0000090.
NPHP4-related disorder. Also called: NPHP4-related disorders; NPHP4-related condition. Identifiers: MedGen CN239384.
Senior-Loken syndrome 4 (SLSN4). Identifiers: Orphanet 3156, MedGen C1846979, MONDO:0011756, OMIM 606996.
Nephronophthisis 4 (NPHP4). Also called: NEPHRONOPHTHISIS 4, JUVENILE. Identifiers: Orphanet 655, MedGen C1847013, MONDO:0011752, OMIM 606966.

Allele frequency attached by ClinVar (database versions not stated): TOPMed below 0.00001; ExAC 0.00002; gnomAD exomes 0.00002 and 0.00005.
gnomAD v4.1: 11 of 1,602,636 alleles (0.00069%); highest among the groups gnomAD compares: Admixed American, 0.018%; no homozygotes.

Submissions (3):

Labcorp Genetics (formerly Invitae), Labcorp
Classification: Uncertain significance for Nephronophthisis. Last evaluated: 2025-01-13. Review status: criteria provided, single submitter. Criteria: Invitae Variant Classification Sherloc (09022015). Collection method: clinical testing. Allele origin: germline.
Comment: This sequence change falls in intron 16 of the NPHP4 gene. It does not directly change the encoded amino acid sequence of the NPHP4 protein. It affects a nucleotide within the consensus splice site. This variant is present in population databases (rs762882392, gnomAD 0.03%). This variant has not been reported in the literature in individuals affected with NPHP4-related conditions. ClinVar contains an entry for this variant (Variation ID: 1035463). Variants that disrupt the consensus splice site are a relatively common cause of aberrant splicing (PMID: 17576681, 9536098). Algorithms developed to predict the effect of sequence changes on RNA splicing suggest that this variant is not likely to affect RNA splicing. In summary, the available evidence is currently insufficient to determine the role of this variant in disease. Therefore, it has been classified as a Variant of Uncertain Significance.

PreventionGenetics, part of Exact Sciences
Classification: Likely benign for NPHP4-related condition. Last evaluated: 2024-11-27. Review status: criteria provided, single submitter. Criteria: ACMG Guidelines, 2015. Collection method: clinical testing. Allele origin: germline.
Comment: This variant is classified as likely benign based on ACMG/AMP sequence variant interpretation guidelines (Richards et al. 2015 PMID: 25741868, with internal and published modifications).

Fulgent Genetics
Classification: Uncertain significance for Nephronophthisis 4; Senior-Loken syndrome 4. Last evaluated: 2024-01-30. Review status: criteria provided, single submitter. Criteria: ACMG Guidelines, 2015. Collection method: clinical testing. Allele origin: germline.

Literature cited by the submitters: PubMed 17576681 (cited by Labcorp Genetics (formerly Invitae), Labcorp); PubMed 9536098 (cited by Labcorp Genetics (formerly Invitae), Labcorp).